The following is an entry in ClinVar:

ClinVar aggregate classification (germline): Uncertain significance (1 of 4 stars; one submission).

Submission:

GeneDx
Classification: Uncertain significance. Last evaluated: 2024-12-02. Review status: criteria provided, single submitter. Criteria: GeneDx Variant Classification Process June 2021. Collection method: clinical testing. Allele origin: germline.
Comment: Not observed at significant frequency in large population cohorts (gnomAD); In silico analysis supports that this missense variant has a deleterious effect on protein structure/function; Has not been previously published as pathogenic or benign to our knowledge

NM_024009.3(GJB3):c.551A>G (p.Lys184Arg)

Gene: GJB3 (gap junction protein beta 3; plus strand). Cytogenetic location: 1p34.3.
Variant type: single nucleotide variant.
Coding change: c.551A>G on transcript NM_024009.3 (MANE Select); coding-DNA position 551, A replaced by G.
Protein change: p.Lys184Arg; replaces lysine 184 with arginine.
Molecular consequence: missense variant.
Genome position (GRCh38, 1-based): chr1:34,785,313, A>G. VCF-style: chr1-34785313-A-G. GRCh37 (hg19) VCF-style: chr1-35250914-A-G.
Other names: c.551A>G, p.Lys184Arg (NM_001005752.2); short protein forms K184R.
Identifiers: ClinVar variation 1801036 (VCV001801036.2), dbSNP rs2521974578, ClinGen allele CA339315717.